The following is an entry in ClinVar:

ClinVar aggregate classification (germline): Uncertain significance (1 of 4 stars; one submission).

Conditions:
Hereditary cancer-predisposing syndrome. Also called: Tumor predisposition; Neoplastic Syndromes, Hereditary; Hereditary neoplastic syndrome; Hereditary Cancer Syndrome. Identifiers: Orphanet 140162, MedGen C0027672, MeSH D009386, MONDO:0015356.

gnomAD v4.1: 1 of 1,609,640 alleles (0.000062%); highest among the groups gnomAD compares: Non-Finnish European, 0.000085%; no homozygotes.

Submission:

Ambry Genetics
Classification: Uncertain significance for Hereditary cancer-predisposing syndrome. Last evaluated: 2024-08-12. Review status: criteria provided, single submitter. Criteria: Ambry Variant Classification Scheme 2023. Collection method: clinical testing. Allele origin: germline.
Comment: The p.A2G variant (also known as c.5C>G), located in coding exon 1 of the SDHB gene, results from a C to G substitution at nucleotide position 5. The alanine at codon 2 is replaced by glycine, an amino acid with similar properties. This amino acid position is conserved. In addition, the in silico prediction for this alteration is inconclusive. Based on the available evidence, the clinical significance of this variant remains unclear.

NM_003000.3(SDHB):c.5C>G (p.Ala2Gly)

Gene: SDHB (succinate dehydrogenase complex iron sulfur subunit B; minus strand). Cytogenetic location: 1p36.13.
Variant type: single nucleotide variant.
Coding change: c.5C>G on transcript NM_003000.3 (MANE Select); coding-DNA position 5, C replaced by G.
Protein change: p.Ala2Gly; replaces alanine 2 with glycine.
Molecular consequence: missense variant.
Genome position (GRCh38, 1-based): chr1:17,054,015, G>C on the plus strand (C>G on the coding strand, the complement: SDHB is on the minus strand). VCF-style: chr1-17054015-G-C. GRCh37 (hg19) VCF-style: chr1-17380510-G-C.
Other names: c.5C>G, p.Ala2Gly (NM_001407361.1); short protein forms A2G.
Identifiers: ClinVar variation 3438760 (VCV003438760.1).
Genomic context (GRCh38, chr1:17,054,015, plus strand): 5'-CAGGCTCCGCCAAGGGTTGTGGCCGGCAACCGGCGCCTCAAGGAGAGGGCGACCACCGCC[G>C]CCATCTTGGCTCCTGACGTCAGCCCCACCCCTTAACCCCGAGGTCGCTCTCCGCCGGTGT-3'
Protein context (NP_002991.2, residues 1-12): M[Ala2Gly]AVVALSLRRR